The following is an entry in ClinVar:

ClinVar aggregate classification (germline): Likely pathogenic (1 of 4 stars; one submission).

Conditions:
Spinocerebellar ataxia 50 (SCA50). Identifiers: MedGen C5774272, MONDO:0859334, OMIM 620158.

Submission:

Institute of Human Genetics, University of Leipzig Medical Center
Classification: Likely pathogenic for Spinocerebellar ataxia 50. Last evaluated: 2024-09-25. Review status: criteria provided, single submitter. Criteria: ACMG Guidelines, 2015. Collection method: clinical testing. Allele origin: de novo. Inheritance: Autosomal dominant inheritance. Affected: yes.
Comment: Criteria applied: PS2_MOD,PM2,PM4

NM_002522.4(NPTX1):c.1261_1287del (p.Thr421_Arg429del)

Gene: NPTX1 (neuronal pentraxin 1; minus strand). Cytogenetic location: 17q25.3.
Variant type: Deletion.
Coding change: c.1261_1287del on transcript NM_002522.4 (MANE Select); coding-DNA positions 1261 to 1287, 27 bases deleted (ACCAAGTGGACCTTCGAGGCCTGTCGC).
Protein change: p.Thr421_Arg429del.
Genome position (GRCh38, 1-based): chr17:80,470,825-80,470,851, GCGACAGGCCTCGAAGGTCCACTTGGT deleted on the plus strand (ACCAAGTGGACCTTCGAGGCCTGTCGC on the coding strand, the reverse complement: NPTX1 is on the minus strand); deleting any 27 consecutive bases within chr17:80,470,825-80,470,852 gives the same sequence; the c. name uses the placement nearest the transcript's 3' end. VCF-style (leftmost placement, unchanged base first): chr17-80470824-GGCGACAGGCCTCGAAGGTCCACTTGGT-G. GRCh37 (hg19) VCF-style: chr17-78444624-GGCGACAGGCCTCGAAGGTCCACTTGGT-G.
Identifiers: ClinVar variation 3358966 (VCV003358966.2).
Genomic context (GRCh38, chr17:80,470,824, plus strand): 5'-CGCACAAGCAGGGGGCGAGGGCGGGCGGGCTCAGCCTGGCCTGCCGTGCTCAGTTGATCT[GGCGACAGGCCTCGAAGGTCCACTTGGT>G]GGCCCCTCCGTAGATCTCGATGTGGGATTCAGCCCAGGCGATGACATTGCCGGACAGAGC-3'